The following is an entry in ClinVar:

ClinVar aggregate classification (germline): Conflicting classifications of pathogenicity. Review status: criteria provided, conflicting classifications (1 of 4 stars). 5 submissions from 5 submitters: Uncertain significance (2); Benign (1); Likely benign (2). Last evaluated 2026-06-02.

Conditions:
KIT-related disorder. Also called: KIT-related condition.
Hereditary cancer-predisposing syndrome. Also called: Neoplastic Syndromes, Hereditary; Tumor predisposition; Hereditary Cancer Syndrome; Hereditary neoplastic syndrome. Identifiers: Orphanet 140162, MedGen C0027672, MeSH D009386, MONDO:0015356.
Gastrointestinal stromal tumor. Also called: Gastrointestinal stroma tumor; Gastrointestinal stromal tumor, somatic. Identifiers: Orphanet 44890, MedGen C0238198, MeSH D046152, MONDO:0011719, OMIM 606764, HP:0100723.

gnomAD v4.1: 1 of 1,613,864 alleles (0.000062%); highest among the groups gnomAD compares: African/African-American, 0.0013%; no homozygotes.

Submissions (5):

Myriad Genetics, Inc.
Classification: Benign for Gastrointestinal stromal tumor. Last evaluated: 2026-06-02. Review status: criteria provided, single submitter. Criteria: Myriad Autosomal Dominant, Autosomal Recessive and X-Linked Classification Criteria (2023). Collection method: clinical testing. Allele origin: unknown.
Comment: This variant is considered benign. This variant is a silent/synonymous amino acid change and it is not expected to impact splicing.

Labcorp Genetics (formerly Invitae), Labcorp
Classification: Likely benign for Gastrointestinal stromal tumor. Last evaluated: 2026-01-19. Review status: criteria provided, single submitter. Criteria: Invitae Variant Classification Sherloc (09022015). Collection method: clinical testing. Allele origin: germline.

PreventionGenetics, part of Exact Sciences
Classification: Likely benign for KIT-related condition. Last evaluated: 2025-11-06. Review status: criteria provided, single submitter. Criteria: ACMG Guidelines, 2015. Collection method: clinical testing. Allele origin: germline.
Comment: This variant is classified as likely benign based on ACMG/AMP sequence variant interpretation guidelines (Richards et al. 2015 PMID: 25741868, with internal and published modifications).

Ambry Genetics
Classification: Uncertain significance for Hereditary cancer-predisposing syndrome. Last evaluated: 2024-12-30. Review status: criteria provided, single submitter. Criteria: Ambry Variant Classification Scheme 2023. Collection method: clinical testing. Allele origin: germline.
Comment: The c.9C>T variant (also known as p.G3G), located in coding exon 1 of the KIT gene, results from a C to T substitution at nucleotide position 9. This nucleotide substitution does not change the glycine at codon 3. This nucleotide position is highly conserved in available vertebrate species. In silico splice site analysis predicts that this alteration may result in the creation or strengthening of a novel splice donor site. Based on the available evidence, the clinical significance of this variant remains unclear.

GeneDx
Classification: Uncertain significance. Last evaluated: 2024-07-12. Review status: criteria provided, single submitter. Criteria: GeneDx Variant Classification Process June 2021. Collection method: clinical testing. Allele origin: germline. Affected: yes.
Comment: Not observed at significant frequency in large population cohorts (gnomAD); Has not been previously published as pathogenic or benign to our knowledge; In silico analysis suggests this variant may impact gene splicing. In the absence of RNA/functional studies, the actual effect of this sequence change is unknown.

NM_000222.3(KIT):c.9C>T (p.Gly3=)

Gene: KIT (KIT proto-oncogene, receptor tyrosine kinase; plus strand). Cytogenetic location: 4q12.
Variant type: single nucleotide variant.
Coding change: c.9C>T on transcript NM_000222.3 (MANE Select); coding-DNA position 9, C replaced by T.
Protein change: p.Gly3=; no amino-acid change (glycine 3 retained).
Molecular consequence: synonymous variant.
Genome position (GRCh38, 1-based): chr4:54,658,023, C>T. VCF-style: chr4-54658023-C-T. GRCh37 (hg19) VCF-style: chr4-55524190-C-T.
Other names: c.9C>T, p.Gly3= (NM_001093772.2, NM_001385284.1, NM_001385285.1 and 4 more transcripts).
Identifiers: ClinVar variation 581848 (VCV000581848.16), dbSNP rs755780019, ClinGen allele CA2923112.